The following is an entry in ClinVar:

ClinVar aggregate classification (germline): Benign/Likely benign. Review status: criteria provided, multiple submitters, no conflicts (2 of 4 stars). 3 submissions from 3 submitters: Benign (1); Likely benign (1). 1 of the submissions does not count toward it. Last evaluated 2025-03-19.

Conditions:
LAMC3-related disorder. Also called: LAMC3-related condition.

Allele frequency attached by ClinVar (database versions not stated): gnomAD 0.00007 and 0.00009; ESP Exome Variant Server 0.00015.
gnomAD v4.1: 241 of 1,613,966 alleles (0.015%); highest among the groups gnomAD compares: Middle Eastern, 0.016%; no homozygotes.

Submissions (3):

Labcorp Genetics (formerly Invitae), Labcorp
Classification: Benign. Last evaluated: 2025-03-19. Review status: criteria provided, single submitter. Criteria: Invitae Variant Classification Sherloc (09022015). Collection method: clinical testing. Allele origin: germline.

CeGaT Center for Human Genetics Tuebingen
Classification: Likely benign. Last evaluated: 2024-01-01. Review status: criteria provided, single submitter. Criteria: CeGaT Center For Human Genetics Tuebingen Variant Classification Criteria Version 2. Collection method: clinical testing. Allele origin: germline. Affected: yes. Observed: 3 variant alleles.
Comment: LAMC3: BP4

PreventionGenetics, part of Exact Sciences
Classification: Likely benign for LAMC3-related condition. Last evaluated: 2019-07-03. Review status: no assertion criteria provided. Collection method: clinical testing. Allele origin: germline. Not counted in ClinVar's aggregate classification.
Comment: This variant is classified as likely benign based on ACMG/AMP sequence variant interpretation guidelines (Richards et al. 2015 PMID: 25741868, with internal and published modifications).

NM_006059.4(LAMC3):c.696C>T (p.Thr232=)

Gene: LAMC3 (laminin subunit gamma 3; plus strand). Cytogenetic location: 9q34.12.
Variant type: single nucleotide variant.
Coding change: c.696C>T on transcript NM_006059.4 (MANE Select); coding-DNA position 696, C replaced by T.
Protein change: p.Thr232=; no amino-acid change (threonine 232 retained).
Molecular consequence: synonymous variant.
Genome position (GRCh38, 1-based): chr9:131,032,062, C>T. VCF-style: chr9-131032062-C-T. GRCh37 (hg19) VCF-style: chr9-133907449-C-T.
Other names: c.696C>T (NM_006059.3).
Identifiers: ClinVar variation 1563171 (VCV001563171.32), dbSNP rs372132123, ClinGen allele CA5286781.